The following is an entry in ClinVar:

NM_030957.4(ADAMTS10):c.1958A>G (p.Glu653Gly)

Gene: ADAMTS10 (ADAM metallopeptidase with thrombospondin type 1 motif 10; minus strand). Cytogenetic location: 19p13.2.
Variant type: single nucleotide variant.
Coding change: c.1958A>G on transcript NM_030957.4 (MANE Select); coding-DNA position 1958, A replaced by G.
Protein change: p.Glu653Gly; replaces glutamic acid 653 with glycine.
Molecular consequence: missense variant.
Genome position (GRCh38, 1-based): chr19:8,589,528, T>C on the plus strand (A>G on the coding strand, the complement: ADAMTS10 is on the minus strand). VCF-style: chr19-8589528-T-C. GRCh37 (hg19) VCF-style: chr19-8654412-T-C.
Other names: c.419A>G, p.Glu140Gly (NM_001282352.2); short protein forms E653G, E140G.
Identifiers: ClinVar variation 4715356 (VCV004715356.1).

ClinVar aggregate classification (germline): Uncertain significance (1 of 4 stars; one submission).

Submission:

Labcorp Genetics (formerly Invitae), Labcorp
Classification: Uncertain significance. Last evaluated: 2025-03-18. Review status: criteria provided, single submitter. Criteria: Invitae Variant Classification Sherloc (09022015). Collection method: clinical testing. Allele origin: germline.
Comment: This sequence change replaces glutamic acid, which is acidic and polar, with glycine, which is neutral and non-polar, at codon 653 of the ADAMTS10 protein (p.Glu653Gly). This variant is not present in population databases (gnomAD no frequency). This variant has not been reported in the literature in individuals affected with ADAMTS10-related conditions. An algorithm developed to predict the effect of missense changes on protein structure and function (PolyPhen-2) suggests that this variant is likely to be disruptive. In summary, the available evidence is currently insufficient to determine the role of this variant in disease. Therefore, it has been classified as a Variant of Uncertain Significance.